The following is an entry in ClinVar:

ClinVar aggregate classification (germline): Pathogenic (1 of 4 stars; one submission).

Conditions:
Jeune thoracic dystrophy. Also called: Short-rib thoracic dysplasia; Jeune syndrome; Infantile thoracic dystrophy; Thoracic pelvic phalangeal dystrophy; Jeune's syndrome; Chondroectodermal dysplasia-like syndrome. Identifiers: Orphanet 474, MedGen C0265275, MONDO:0018770.

Submission:

Labcorp Genetics (formerly Invitae), Labcorp
Classification: Pathogenic for Jeune thoracic dystrophy. Last evaluated: 2023-12-02. Review status: criteria provided, single submitter. Criteria: Invitae Variant Classification Sherloc (09022015). Collection method: clinical testing. Allele origin: germline.
Comment: This sequence change creates a premature translational stop signal (p.Trp3876*) in the DYNC2H1 gene. It is expected to result in an absent or disrupted protein product. Loss-of-function variants in DYNC2H1 are known to be pathogenic (PMID: 23339108, 32753734, 33755199). This variant is not present in population databases (gnomAD no frequency). This variant has not been reported in the literature in individuals affected with DYNC2H1-related conditions. For these reasons, this variant has been classified as Pathogenic.

Literature cited by the submitters: PubMed 23339108; PubMed 32753734; PubMed 33755199.

NM_001377.3(DYNC2H1):c.11606G>A (p.Trp3869Ter)

Gene: DYNC2H1 (dynein cytoplasmic 2 heavy chain 1; plus strand). Cytogenetic location: 11q22.3.
Variant type: single nucleotide variant.
Coding change: c.11606G>A on transcript NM_001377.3 (MANE Select); coding-DNA position 11606, G replaced by A.
Protein change: p.Trp3869Ter; replaces tryptophan 3869 with a stop codon.
Molecular consequence: nonsense.
Genome position (GRCh38, 1-based): chr11:103,311,990, G>A. VCF-style: chr11-103311990-G-A. GRCh37 (hg19) VCF-style: chr11-103182719-G-A.
Other names: c.11627G>A, p.Trp3876Ter (NM_001080463.2); short protein forms W3869*, W3876*.
Identifiers: ClinVar variation 2700336 (VCV002700336.3), dbSNP rs2496903018, ClinGen allele CA382264704.
Genomic context (GRCh38, chr11:103,311,990, plus strand): 5'-CTGAGCAAATTAGCAAAAAAGATAATACACATCGAGCTCATGCTCTCTTCAGTCTTGCAT[G>A]GTTTCATGCTGCATGTCAAGAAAGAAGAAACTATATTCCTCAGGTAAGTAAGAACATGTC-3'